The following is an entry in ClinVar:

ClinVar aggregate classification (germline): Uncertain significance (1 of 4 stars; one submission).

Conditions:
Fanconi anemia (FA). Also called: Fanconi's anemia. Identifiers: Orphanet 84, MedGen C0015625, MeSH D005199, MONDO:0019391.

Allele frequency attached by ClinVar (database versions not stated): ExAC 0.00001; gnomAD exomes 0.00001.
gnomAD v4.1: 11 of 1,613,970 alleles (0.00068%); highest among the groups gnomAD compares: Admixed American, 0.0017%; no homozygotes.

Submission:

Labcorp Genetics (formerly Invitae), Labcorp
Classification: Uncertain significance for Fanconi anemia. Last evaluated: 2022-05-03. Review status: criteria provided, single submitter. Criteria: Invitae Variant Classification Sherloc (09022015). Collection method: clinical testing. Allele origin: germline.
Comment: This sequence change replaces proline, which is neutral and non-polar, with leucine, which is neutral and non-polar, at codon 220 of the FANCL protein (p.Pro220Leu). This variant is present in population databases (rs773012159, gnomAD 0.003%). This variant has not been reported in the literature in individuals affected with FANCL-related conditions. Algorithms developed to predict the effect of missense changes on protein structure and function (SIFT, PolyPhen-2, Align-GVGD) all suggest that this variant is likely to be tolerated. In summary, the available evidence is currently insufficient to determine the role of this variant in disease. Therefore, it has been classified as a Variant of Uncertain Significance.

NM_018062.4(FANCL):c.659C>T (p.Pro220Leu)

Gene: FANCL (FA complementation group L; minus strand). Cytogenetic location: 2p16.1.
Variant type: single nucleotide variant.
Coding change: c.659C>T on transcript NM_018062.4 (MANE Select); coding-DNA position 659, C replaced by T.
Protein change: p.Pro220Leu; replaces proline 220 with leucine.
Molecular consequence: missense variant.
Genome position (GRCh38, 1-based): chr2:58,165,756, G>A on the plus strand (C>T on the coding strand, the complement: FANCL is on the minus strand). VCF-style: chr2-58165756-G-A. GRCh37 (hg19) VCF-style: chr2-58392891-G-A.
Other names: c.674C>T, p.Pro225Leu (NM_001114636.2); c.704C>T, p.Pro235Leu (NM_001374615.1); c.719C>T, p.Pro240Leu (NM_001410792.1); short protein forms P235L, P220L, P225L, P240L.
Identifiers: ClinVar variation 2040389 (VCV002040389.1), dbSNP rs773012159, ClinGen allele CA1670532.